The following is an entry in ClinVar:

ClinVar aggregate classification (germline): Conflicting classifications of pathogenicity. Review status: criteria provided, conflicting classifications (1 of 4 stars). 3 submissions from 3 submitters: Uncertain significance (2); Likely benign (1). Last evaluated 2025-08-20.

Conditions:
Familial hypercholesterolemia. Also called: Familial hypercholesterolemias; Familial hypercholesterolaemia. Identifiers: MedGen C0020445, MONDO:0005439.
Hypercholesterolemia, autosomal dominant, 3 (FHCL3). Also called: Familial Hypercholesterolemia, Autosomal Dominant, 3; PCSK9-Related Familial Hypercholesterolemia, Autosomal Dominant; Familial hypercholesterolemia 3. Identifiers: MedGen C1863551, MONDO:0011369, OMIM 603776.

gnomAD v4.1: 22 of 1,563,804 alleles (0.0014%); highest among the groups gnomAD compares: Non-Finnish European, 0.0018%; no homozygotes.

Submissions (3):

Color Diagnostics, LLC DBA Color Health
Classification: Likely benign for Familial hypercholesterolemia. Last evaluated: 2025-08-20. Review status: criteria provided, single submitter. Criteria: ACMG Guidelines, 2015. Collection method: clinical testing. Allele origin: germline.

Labcorp Genetics (formerly Invitae), Labcorp
Classification: Uncertain significance for Hypercholesterolemia, autosomal dominant, 3. Last evaluated: 2023-09-07. Review status: criteria provided, single submitter. Criteria: Invitae Variant Classification Sherloc (09022015). Collection method: clinical testing. Allele origin: germline.
Comment: In summary, the available evidence is currently insufficient to determine the role of this variant in disease. Therefore, it has been classified as a Variant of Uncertain Significance. This sequence change replaces arginine, which is basic and polar, with glutamine, which is neutral and polar, at codon 8 of the PCSK9 protein (p.Arg8Gln). This variant is not present in population databases (gnomAD no frequency). This variant has not been reported in the literature in individuals affected with PCSK9-related conditions. Advanced modeling of protein sequence and biophysical properties (such as structural, functional, and spatial information, amino acid conservation, physicochemical variation, residue mobility, and thermodynamic stability) performed at Invitae indicates that this missense variant is not expected to disrupt PCSK9 protein function.

All of Us Research Program, National Institutes of Health
Classification: Uncertain significance for Hypercholesterolemia, autosomal dominant, 3. Last evaluated: 2023-04-10. Review status: criteria provided, single submitter. Criteria: ACMG Guidelines, 2015. Collection method: clinical testing. Allele origin: germline. Inheritance: Autosomal dominant inheritance. Observed: 1 variant allele, 1 heterozygote.
Comment: This missense variant replaces arginine with glutamine at codon 8 of the PCSK9 protein. Computational prediction suggests that this variant may not impact protein structure and function (internally defined REVEL score threshold <= 0.5, PMID: 27666373). To our knowledge, functional studies have not been reported for this variant. This variant has not been reported in individuals affected with PCSK9-related disorders in the literature. This variant has not been identified in the general population by the Genome Aggregation Database (gnomAD). The available evidence is insufficient to determine the role of this variant in disease conclusively. Therefore, this variant is classified as a Variant of Uncertain Significance.

This study involves interpretation of variants in research participants for the purpose of population health screening. Participant phenotype was not available at the time of variant classification. Additional details can be found in publication PMID: 35346344, PMCID: PMC8962531

NM_174936.4(PCSK9):c.23G>A (p.Arg8Gln)

Gene: PCSK9 (proprotein convertase subtilisin/kexin type 9; plus strand). Cytogenetic location: 1p32.3.
Variant type: single nucleotide variant.
Coding change: c.23G>A on transcript NM_174936.4 (MANE Select); coding-DNA position 23, G replaced by A.
Protein change: p.Arg8Gln; replaces arginine 8 with glutamine.
Molecular consequence: missense variant. On other transcripts: 5 prime UTR variant (1), non-coding transcript variant (8).
Genome position (GRCh38, 1-based): chr1:55,039,860, G>A. VCF-style: chr1-55039860-G-A. GRCh37 (hg19) VCF-style: chr1-55505533-G-A.
Other names: c.23G>A, p.Arg8Gln (NM_001407240.1, NM_001407241.1, NM_001407242.1 and 4 more transcripts); c.-712G>A (NM_001407246.1); short protein forms R8Q.
Identifiers: ClinVar variation 2905809 (VCV002905809.5), dbSNP rs1021280547, ClinGen allele CA22791797.